The following is an entry in ClinVar:

NM_024753.5(TTC21B):c.776G>C (p.Arg259Thr)

Gene: TTC21B (tetratricopeptide repeat domain 21B; minus strand). Cytogenetic location: 2q24.3.
Variant type: single nucleotide variant.
Coding change: c.776G>C on transcript NM_024753.5 (MANE Select); coding-DNA position 776, G replaced by C.
Protein change: p.Arg259Thr; replaces arginine 259 with threonine.
Molecular consequence: missense variant.
Genome position (GRCh38, 1-based): chr2:165,932,992, C>G on the plus strand (G>C on the coding strand, the complement: TTC21B is on the minus strand). VCF-style: chr2-165932992-C-G. GRCh37 (hg19) VCF-style: chr2-166789502-C-G.
Other names: c.776G>C (NM_024753.4); short protein forms R259T.
Identifiers: ClinVar variation 1397254 (VCV001397254.7), dbSNP rs1347669823, ClinGen allele CA349049069.

ClinVar aggregate classification (germline): Uncertain significance. Review status: criteria provided, multiple submitters, no conflicts (2 of 4 stars). 2 submissions from 2 submitters: Uncertain significance (2). Last evaluated 2026-01-14.

Conditions:
Nephronophthisis. Also called: Juvenile Nephronophthisis. Identifiers: Orphanet 655, MedGen C0687120, MONDO:0019005, HP:0000090.
Jeune thoracic dystrophy. Also called: Jeune syndrome; Infantile thoracic dystrophy; Thoracic pelvic phalangeal dystrophy; Jeune's syndrome; Chondroectodermal dysplasia-like syndrome; Short-rib thoracic dysplasia. Identifiers: Orphanet 474, MedGen C0265275, MONDO:0018770.
TTC21B-related disorder. Also called: TTC21B-related disorders; TTC21B-related condition.

Allele frequency attached by ClinVar (database versions not stated): gnomAD exomes below 0.00001 and 0.00001.
gnomAD v4.1: 8 of 1,613,178 alleles (0.0005%); highest among the groups gnomAD compares: South Asian, 0.0011%; no homozygotes.

Submissions (2):

PreventionGenetics, part of Exact Sciences
Classification: Uncertain significance for TTC21B-related condition. Last evaluated: 2026-01-14. Review status: criteria provided, single submitter. Criteria: ACMG Guidelines, 2015. Collection method: clinical testing. Allele origin: germline.
Comment: The TTC21B c.776G>C variant is predicted to result in the amino acid substitution p.Arg259Thr. To our knowledge, this variant has not been reported in the literature. This variant is reported in 0.0033% of alleles in individuals of South Asian descent in gnomAD. At this time, the clinical significance of this variant is uncertain due to the absence of conclusive functional and genetic evidence.

Labcorp Genetics (formerly Invitae), Labcorp
Classification: Uncertain significance for Jeune thoracic dystrophy; Nephronophthisis. Last evaluated: 2022-06-27. Review status: criteria provided, single submitter. Criteria: Invitae Variant Classification Sherloc (09022015). Collection method: clinical testing. Allele origin: germline.
Comment: Algorithms developed to predict the effect of missense changes on protein structure and function are either unavailable or do not agree on the potential impact of this missense change (SIFT: "Tolerated"; PolyPhen-2: "Possibly Damaging"; Align-GVGD: "Class C0"). This variant has not been reported in the literature in individuals affected with TTC21B-related conditions. This variant is present in population databases (no rsID available, gnomAD 0.003%). This sequence change replaces arginine, which is basic and polar, with threonine, which is neutral and polar, at codon 259 of the TTC21B protein (p.Arg259Thr). In summary, the available evidence is currently insufficient to determine the role of this variant in disease. Therefore, it has been classified as a Variant of Uncertain Significance.